The following is an entry in ClinVar:

NM_003477.2(PDHX):c.-302A>G

Genes: APIP (APAF1 interacting protein; minus strand), PDHX (pyruvate dehydrogenase complex component X; plus strand), LOC130005547 (ATAC-STARR-seq lymphoblastoid silent region 3253; plus strand). Cytogenetic location: 11p13.
Variant type: single nucleotide variant.
Coding change: c.-302A>G on transcript NM_003477.2; 302 bases upstream of the start codon, A replaced by G.
Molecular consequence: 5 prime UTR variant (on NM_015957.4).
Genome position (GRCh38, 1-based): chr11:34,916,354, A>G. VCF-style: chr11-34916354-A-G. GRCh37 (hg19) VCF-style: chr11-34937901-A-G.
Other names: c.-70T>C (NM_015957.4).
Identifiers: ClinVar variation 304450 (VCV000304450.12), dbSNP rs2956112, ClinGen allele CA5945654.

ClinVar aggregate classification (germline): Benign. Review status: criteria provided, multiple submitters, no conflicts (2 of 4 stars). 3 submissions from 3 submitters: Benign (3). Last evaluated 2018-01-12.

Conditions:
Pyruvate dehydrogenase E3-binding protein deficiency (PDHXD). Also called: E3-Binding Protein (Component X) Deficiency; LACTIC ACIDEMIA DUE TO DEFECT IN LIPOYL-CONTAINING COMPONENT X OF THE PYRUVATE DEHYDROGENASE COMPLEX; Lacticacidemia due to PDX1 deficiency; PYRUVATE HYDROGENASE E3-BINDING PROTEIN DEFICIENCY. Identifiers: Orphanet 255182, MedGen C1855553, MONDO:0009503, OMIM 245349.

Allele frequency attached by ClinVar (database versions not stated): ESP Exome Variant Server 0.80057; gnomAD 0.78475 and 0.78240; 1000 Genomes Project 0.76258; TOPMed 0.77941; 1000 Genomes Project 30x 0.76296; gnomAD exomes 0.76765 and 0.79294; ExAC 0.79211.
gnomAD v4.1: 1,255,702 of 1,585,520 alleles (79%); highest among the groups gnomAD compares: East Asian, 82%; 498,642 homozygotes.

Submissions (4):

Illumina Laboratory Services, Illumina
Classification: Benign for Pyruvate dehydrogenase E3-binding protein deficiency. Last evaluated: 2018-01-12. Review status: criteria provided, single submitter. Criteria: ICSL Variant Classification Criteria 13 December 2019. Collection method: clinical testing. Allele origin: germline.
Comment: This variant was observed in the ICSL laboratory as part of a predisposition screen in an ostensibly healthy population. It had not been previously curated by ICSL or reported in the Human Gene Mutation Database (HGMD: prior to June 1st, 2018), and was therefore a candidate for classification through an automated scoring system. Utilizing variant allele frequency, disease prevalence and penetrance estimates, and inheritance mode, an automated score was calculated to assess if this variant is too frequent to cause the disease. Based on the score and internal cut-off values, a variant classified as benign is not then subjected to further curation. The score for this variant resulted in a classification of benign for this disease.

GeneDx
Classification: Benign. Last evaluated: 2015-03-03. Review status: criteria provided, single submitter. Criteria: GeneDx Variant Classification Process June 2021. Collection method: clinical testing. Allele origin: germline. Affected: yes.

Breakthrough Genomics
Classification: Benign. Review status: criteria provided, single submitter. Criteria: ACMG Guidelines, 2015. Collection method: not provided. Allele origin: germline. Inheritance: Unknown mechanism. Affected: yes.

Seelig Lab, University of Washington
No classification provided (evidence only). Review status: no classification provided. Collection method: in vitro. Allele origin: not applicable. Functional consequence: effect on translation. Not counted in ClinVar's aggregate classification.
ClinVar note: "not provided" was previously submitted as the classification for the variant. However, the classification appeared to be based only on an observation of functional data so it was converted to no classification on 2025-07-30.